The following is an entry in ClinVar:

ClinVar aggregate classification (germline): Likely pathogenic (1 of 4 stars; one submission).

Conditions:
Ataxia-telangiectasia syndrome (AT). Also called: LOUIS-BAR SYNDROME; Cerebello-oculocutaneous telangiectasia; Immunodeficiency with ataxia telangiectasia; AT, COMPLEMENTATION GROUP C; Ataxia-telangiectasia, complementation group D; ATAXIA-TELANGIECTASIA, COMPLEMENTATION GROUP A. Identifiers: Orphanet 100, MedGen C0004135, MONDO:0008840, OMIM 208900.

Submission:

Labcorp Genetics (formerly Invitae), Labcorp
Classification: Likely pathogenic for Ataxia-telangiectasia syndrome. Last evaluated: 2023-12-11. Review status: criteria provided, single submitter. Criteria: Invitae Variant Classification Sherloc (09022015). Collection method: clinical testing. Allele origin: unknown.
Comment: This variant results in a copy number gain of the genomic region encompassing exon(s) 8-9 of the ATM gene. While the exact position of this variant cannot be determined from the data, sub-genic copy number gains are generally in tandem (PMID: 25640679). This variant is predicted to be out-of-frame, and may result in an absent or disrupted protein product. Loss-of-function variants in ATM are known to be pathogenic (PMID: 23807571, 25614872). This variant has not been reported in the literature in individuals affected with ATM-related conditions. In summary, the currently available evidence indicates that the variant is pathogenic, but additional data are needed to prove that conclusively. Therefore, this variant has been classified as Likely Pathogenic.

Literature cited by the submitters: PubMed 25640679; PubMed 23807571; PubMed 25614872.

NC_000011.9:g.(?_108117671)_(108119849_?)dup

Gene: ATM (ATM serine/threonine kinase; plus strand). Cytogenetic location: 11q22.3.
Variant type: Duplication.
Identifiers: ClinVar variation 3244503 (VCV003244503.1).